The following continues an entry in ClinVar:

NM_000059.4(BRCA2):c.2224C>T (p.Gln742Ter)

Gene: BRCA2. ClinVar aggregate classification (germline): Pathogenic. Pathogenic (1).

Submissions 10 to 16 of 16:

Women's Health and Genetics/Laboratory Corporation of America, LabCorp
Classification: Pathogenic for Hereditary breast ovarian cancer syndrome. Last evaluated: 2022-02-07. Review status: criteria provided, single submitter. Criteria: LabCorp Variant Classification Summary - May 2015. Collection method: clinical testing. Allele origin: germline. Not counted in ClinVar's aggregate classification.
Comment: Variant summary: BRCA2 c.2224C>T (p.Gln742X) results in a premature termination codon, predicted to cause a truncation of the encoded protein or absence of the protein due to nonsense mediated decay, which are commonly known mechanisms for disease. Truncations downstream of this position have been classified as pathogenic by our laboratory. The variant allele was found at a frequency of 4e-06 in 251260 control chromosomes. c.2224C>T has been reported in the literature in individuals affected with Hereditary Breast and Ovarian Cancer, who were mostly of Hispanic origin (examples: Weitzel 2005, Lee 2008, Nahleh 2015, Dean 2015). Nine clinical diagnostic laboratories have submitted clinical-significance assessments for this variant to ClinVar after 2014 without evidence for independent evaluation. All laboratories classified the variant as pathogenic. Based on the evidence outlined above, the variant was classified as pathogenic.

Quest Diagnostics Nichols Institute San Juan Capistrano
Classification: Pathogenic. Last evaluated: 2021-07-20. Review status: criteria provided, single submitter. Criteria: Quest Diagnostics criteria. Collection method: clinical testing. Allele origin: unknown. Not counted in ClinVar's aggregate classification.
Comment: This nonsense variant causes the premature termination of BRCA2 protein synthesis. The frequency of this variant in the general population, 0.000029 (1/34534 chromosomes), is consistent with pathogenicity. In the published literature, the variant has been reported in individuals with breast cancer in the published literature (PMID: 30630528 (2019), 29446198 (2018), 26681312 (2015), 26543556 (2015), 25628955 (2015), 16030099 (2005)). Based on the available information, this variant is classified as pathogenic.

HudsonAlpha Institute for Biotechnology
Classification: Pathogenic for Breast-ovarian cancer, familial, susceptibility to, 2. Last evaluated: 2019-09-25. Review status: criteria provided, single submitter. Criteria: ACMG Guidelines, 2015. Collection method: research. Allele origin: unknown. Observed: 1 variant allele. Study: AGHI GT. Not counted in ClinVar's aggregate classification.

Consortium of Investigators of Modifiers of BRCA1/2 (CIMBA), c/o University of Cambridge
Classification: Pathogenic for Breast-ovarian cancer, familial, susceptibility to, 2. Last evaluated: 2015-10-02. Review status: criteria provided, single submitter. Criteria: CIMBA Mutation Classification guidelines May 2016. Collection method: clinical testing. Allele origin: germline. Not counted in ClinVar's aggregate classification.

Research Molecular Genetics Laboratory, Women's College Hospital, University of Toronto
Classification: Pathogenic for Hereditary breast ovarian cancer syndrome. Last evaluated: 2014-01-31. Review status: no assertion criteria provided. Collection method: research. Allele origin: germline. Affected: yes. Study: The Canadian Open Genetics Repository (COGR). Not counted in ClinVar's aggregate classification.

Sharing Clinical Reports Project (SCRP)
Classification: Pathogenic for Breast-ovarian cancer, familial 2. Last evaluated: 2013-02-26. Review status: no assertion criteria provided. Collection method: clinical testing. Allele origin: germline. Not counted in ClinVar's aggregate classification.

Breast Cancer Information Core (BIC) (BRCA2)
Classification: Pathogenic for Breast-ovarian cancer, familial 2. Last evaluated: 2002-05-29. Review status: no assertion criteria provided. Collection method: clinical testing. Allele origin: germline. Affected: yes. Observed: 2 variant alleles. Not counted in ClinVar's aggregate classification.

Literature cited by the submitters: PubMed 20104584 (cited by Labcorp Genetics (formerly Invitae), Labcorp); PubMed 16030099 (cited by 6 submitters); PubMed 18284688 (cited by 6 submitters); PubMed 25628955 (cited by 6 submitters); PubMed 26543556 (cited by 6 submitters); PubMed 26681312 (cited by 4 submitters); PubMed 25716084 (cited by 4 submitters); PubMed 28127413 (cited by Ambry Genetics and Quest Diagnostics Nichols Institute San Juan Capistrano); PubMed 29446198 (cited by 4 submitters); PubMed 30630528 (cited by Ambry Genetics and Quest Diagnostics Nichols Institute San Juan Capistrano); PubMed 35875314 (cited by All of Us Research Program, National Institutes of Health and Color Diagnostics, LLC DBA Color Health); PubMed 26295337 (cited by Quest Diagnostics Nichols Institute San Juan Capistrano).